The following is an entry in ClinVar:

ClinVar aggregate classification (germline): Likely pathogenic (1 of 4 stars; one submission).

Conditions:
Supravalvar aortic stenosis (SVAS). Also called: Supravalvar aortic stenosis, Eisenberg type. Identifiers: Orphanet 3193, MedGen C0003499, MONDO:0008504, OMIM 185500, HP:0004381.

Submission:

MVZ Dr. Eberhard & Partner Dortmund
Classification: Likely pathogenic for Supravalvar aortic stenosis. Last evaluated: 2024-08-14. Review status: criteria provided, single submitter. Criteria: ACMG Guidelines, 2015. Collection method: clinical testing. Allele origin: unknown. Inheritance: Autosomal dominant inheritance. Affected: yes. Observed: 1 heterozygote.
Comment: According to our research, the deletion c.339del for p.(Gly114Valfs*8) in the ELN gene has not yet been described in the literature and is not found in the reference population of different ethnicities. The variant leads to an early stop codon due to a shift in the reading frame, which suggests a loss of the gene product due to nonsense mediated mRNA decay (NMD). According to the ACMG criteria we classify c.339del for p.(Gly114Valfs*8) as a likely pathogenic variant.

NM_000501.4(ELN):c.339del (p.Gly114fs)

Gene: ELN (elastin; plus strand). Cytogenetic location: 7q11.23.
Variant type: Deletion.
Coding change: c.339del on transcript NM_000501.4 (MANE Select); coding-DNA position 339, one base deleted (T; older notation c.339delT).
Protein change: p.Gly114fs; shifts the reading frame from glycine 114.
Molecular consequence: frameshift variant.
Genome position (GRCh38, 1-based): chr7:74,042,997, T deleted. VCF-style (leftmost placement, unchanged base first): chr7-74042996-GT-G. GRCh37 (hg19) VCF-style: chr7-73457326-GT-G.
Other names: c.309del, p.Gly104fs (NM_001081752.3, NM_001278914.2, NM_001278917.2 and 1 more transcripts); c.339del, p.Gly114fs (NM_001081753.3, NM_001081754.3, NM_001081755.3 and 4 more transcripts); c.303del, p.Gly102fs (NM_001278913.2); short protein forms G102fs, G104fs, G114fs.
Identifiers: ClinVar variation 3338670 (VCV003338670.1).
Genomic context (GRCh38, chr7:74,042,996, plus strand): 5'-CCTCCCCACTGTTCCTTACGCAATGCCTCACCTGTCCTGGCTCTGCAGGCGCTGGGCTTG[GT>G]GGTGTCCCAGGAGTTGGTGGCTTAGGAGTGTCTGCAGGTACGATGGCTATCCCCGAACTC-3'